The following is an entry in ClinVar:

ClinVar aggregate classification (germline): Uncertain significance. Review status: criteria provided, multiple submitters, no conflicts (2 of 4 stars). 2 submissions from 2 submitters: Uncertain significance (2). Last evaluated 2025-11-12.

Conditions:
Inborn genetic diseases. Identifiers: MedGen C0950123, MeSH D030342.

Allele frequency attached by ClinVar (database versions not stated): ExAC 0.00002; ESP Exome Variant Server 0.00008.
gnomAD v4.1: 28 of 1,613,844 alleles (0.0017%); highest among the groups gnomAD compares: Middle Eastern, 0.017%; no homozygotes.

Submissions (2):

Ambry Genetics
Classification: Uncertain significance for Inborn genetic diseases. Last evaluated: 2025-11-12. Review status: criteria provided, single submitter. Criteria: Ambry Variant Classification Scheme 2023. Collection method: clinical testing. Allele origin: germline.
Comment: The c.752G>A (p.R251H) alteration is located in exon 6 (coding exon 5) of the RUNX2 gene. This alteration results from a G to A substitution at nucleotide position 752, causing the arginine (R) at amino acid position 251 to be replaced by a histidine (H). Based on data from gnomAD, the A allele has an overall frequency of 0.003% (8/251448) total alleles studied. The highest observed frequency was 0.023% (7/30614) of South Asian alleles. Based on insufficient or conflicting evidence, the clinical significance of this alteration remains unclear.

Labcorp Genetics (formerly Invitae), Labcorp
Classification: Uncertain significance. Last evaluated: 2025-09-03. Review status: criteria provided, single submitter. Criteria: Invitae Variant Classification Sherloc (09022015). Collection method: clinical testing. Allele origin: germline.
Comment: This sequence change replaces arginine, which is basic and polar, with histidine, which is basic and polar, at codon 251 of the RUNX2 protein (p.Arg251His). This variant is present in population databases (rs376891808, gnomAD 0.02%). This variant has not been reported in the literature in individuals affected with RUNX2-related conditions. ClinVar contains an entry for this variant (Variation ID: 1982527). Invitae Evidence Modeling of protein sequence and biophysical properties (such as structural, functional, and spatial information, amino acid conservation, physicochemical variation, residue mobility, and thermodynamic stability) indicates that this missense variant is not expected to disrupt RUNX2 protein function with a negative predictive value of 80%. In summary, the available evidence is currently insufficient to determine the role of this variant in disease. Therefore, it has been classified as a Variant of Uncertain Significance.

NM_001024630.4(RUNX2):c.752G>A (p.Arg251His)

Gene: RUNX2 (RUNX family transcription factor 2; plus strand). Cytogenetic location: 6p21.1.
Variant type: single nucleotide variant.
Coding change: c.752G>A on transcript NM_001024630.4 (MANE Select); coding-DNA position 752, G replaced by A.
Protein change: p.Arg251His; replaces arginine 251 with histidine.
Molecular consequence: missense variant.
Genome position (GRCh38, 1-based): chr6:45,492,007, G>A. VCF-style: chr6-45492007-G-A. GRCh37 (hg19) VCF-style: chr6-45459744-G-A.
Other names: c.752G>A (NM_001024630.3); c.752G>A, p.Arg251His (NM_001015051.4); c.710G>A, p.Arg237His (NM_001278478.2, NM_001369405.1, NM_004348.3); short protein forms R251H, R237H.
Identifiers: ClinVar variation 1982527 (VCV001982527.5), dbSNP rs376891808, ClinGen allele CA3836486.